The following is an entry in ClinVar:

NM_020207.7(ERCC6L2):c.1051_1054del (p.Ala351fs)

Gene: ERCC6L2 (ERCC excision repair 6 like 2; plus strand). Cytogenetic location: 9q22.32.
Variant type: Deletion.
Coding change: c.1051_1054del on transcript NM_020207.7 (MANE Select); coding-DNA positions 1051 to 1054, 4 bases deleted (GCCA; older notation c.1051_1054delGCCA).
Protein change: p.Ala351fs; shifts the reading frame from alanine 351.
Molecular consequence: frameshift variant. On other transcripts: non-coding transcript variant (1).
Genome position (GRCh38, 1-based): chr9:95,916,327-95,916,330, GCCA deleted; deleting any 4 consecutive bases within chr9:95,916,326-95,916,330 gives the same sequence; the c. name uses the placement nearest the transcript's 3' end. VCF-style (leftmost placement, unchanged base first): chr9-95916325-TAGCC-T. GRCh37 (hg19) VCF-style: chr9-98678607-TAGCC-T.
Other names: c.1051_1054del, p.Ala351fs (NM_001010895.4, NM_001375291.1, NM_001375292.1 and 2 more transcripts); short protein forms A351fs.
Identifiers: ClinVar variation 1362273 (VCV001362273.8), dbSNP rs1829586683, ClinGen allele CA1127030325.
Genomic context (GRCh38, chr9:95,916,325, plus strand): 5'-AGAAGCAGTTTTCTGACCCAGTAGAACATGGTCAGAGACACACGGCAACAAAGAGAGAAC[TAGCC>T]ACTGGCCGAAAGGCCATGCAAAGACTTGCCAAAAAGATGTCTGGCTGGTTTCTCAGGCGC-3'

ClinVar aggregate classification (germline): Pathogenic/Likely pathogenic. Review status: criteria provided, multiple submitters, no conflicts (2 of 4 stars). 2 submissions from 2 submitters: Pathogenic (1); Likely pathogenic (1). Last evaluated 2025-11-06.

Submissions (2):

Labcorp Genetics (formerly Invitae), Labcorp
Classification: Pathogenic. Last evaluated: 2025-11-06. Review status: criteria provided, single submitter. Criteria: Invitae Variant Classification Sherloc (09022015). Collection method: clinical testing. Allele origin: germline.
Comment: This sequence change creates a premature translational stop signal (p.Ala362Leufs*41) in the ERCC6L2 gene. It is expected to result in an absent or disrupted protein product. Loss-of-function variants in ERCC6L2 are known to be pathogenic (PMID: 24507776, 27185855, 29146883, 29987015). This variant is not present in population databases (gnomAD no frequency). This variant has not been reported in the literature in individuals affected with ERCC6L2-related conditions. ClinVar contains an entry for this variant (Variation ID: 1362273). For these reasons, this variant has been classified as Pathogenic.

AiLife Diagnostics
Classification: Likely pathogenic. Last evaluated: 2022-03-29. Review status: criteria provided, single submitter. Criteria: ACMG Guidelines, 2015. Collection method: clinical testing. Allele origin: germline. Affected: yes. Observed: 1 variant allele.

Literature cited by the submitters: PubMed 24507776 (cited by Labcorp Genetics (formerly Invitae), Labcorp); PubMed 27185855 (cited by Labcorp Genetics (formerly Invitae), Labcorp); PubMed 29146883 (cited by Labcorp Genetics (formerly Invitae), Labcorp); PubMed 29987015 (cited by Labcorp Genetics (formerly Invitae), Labcorp).